The following is an entry in ClinVar:

NM_024642.5(GALNT12):c.1581G>A (p.Glu527=)

Gene: GALNT12 (polypeptide N-acetylgalactosaminyltransferase 12; plus strand). Cytogenetic location: 9q22.33.
Variant type: single nucleotide variant.
Coding change: c.1581G>A on transcript NM_024642.5 (MANE Select); coding-DNA position 1581, G replaced by A.
Protein change: p.Glu527=; no amino-acid change (glutamic acid 527 retained).
Molecular consequence: synonymous variant.
Genome position (GRCh38, 1-based): chr9:98,846,099, G>A. VCF-style: chr9-98846099-G-A. GRCh37 (hg19) VCF-style: chr9-101608381-G-A.
Identifiers: ClinVar variation 485641 (VCV000485641.18), dbSNP rs1423291369, ClinGen allele CA466425308.
Genomic context (GRCh38, chr9:98,846,099, plus strand): 5'-TGCTGTGGAAGCAGGAATGGATACCCTTATCATGCATCTCTGCGAAGAAACTGCCCCAGA[G>A]AATCAGAAGTTCATCTTGCAGGAGGTAGGTGAACTCTCTCCTTCCTTCCTGCTGACAGTC-3'
Protein context (NP_078918.3, residues 517-537): IMHLCEETAP[Glu527=]NQKFILQEDG

ClinVar aggregate classification (germline): Conflicting classifications of pathogenicity. Review status: criteria provided, conflicting classifications (1 of 4 stars). 4 submissions from 4 submitters: Uncertain significance (1); Benign (1); Likely benign (2). Last evaluated 2026-04-27.

Conditions:
Colorectal cancer, susceptibility to, 1. Also called: COLORECTAL ADENOMA AND CANCER, SUSCEPTIBILITY TO; COLORECTAL CANCER, SUSCEPTIBILITY TO, ON CHROMOSOME 9. Identifiers: MedGen C1837315, MONDO:0012132, OMIM 608812.

Allele frequency attached by ClinVar (database versions not stated): gnomAD 0.00001; gnomAD exomes 0.00001; TOPMed 0.00002.
gnomAD v4.1: 11 of 1,614,104 alleles (0.00068%); highest among the groups gnomAD compares: Admixed American, 0.005%; no homozygotes.

Submissions (4):

Myriad Genetics, Inc.
Classification: Benign for Colorectal cancer, susceptibility to, 1. Last evaluated: 2026-04-27. Review status: criteria provided, single submitter. Criteria: Myriad Autosomal Dominant, Autosomal Recessive and X-Linked Classification Criteria (2023). Collection method: clinical testing. Allele origin: unknown.
Comment: This variant is considered benign. This variant is a silent/synonymous amino acid change and it is not expected to impact splicing.

Labcorp Genetics (formerly Invitae), Labcorp
Classification: Likely benign. Last evaluated: 2025-09-23. Review status: criteria provided, single submitter. Criteria: Invitae Variant Classification Sherloc (09022015). Collection method: clinical testing. Allele origin: germline.

Quest Diagnostics Nichols Institute San Juan Capistrano
Classification: Uncertain significance. Last evaluated: 2023-08-10. Review status: criteria provided, single submitter. Criteria: Quest Diagnostics criteria. Collection method: clinical testing. Allele origin: unknown.
Comment: To the best of our knowledge, this variant has not been reported in the published literature. The frequency of this variant in the general population, 0.000085 (3/35440 chromosomes (Genome Aggregation Database)), is uninformative in the assessment of its pathogenicity. Analysis of this variant using software algorithms for the prediction of the effect of nucleotide changes on splicing yielded predictions that this variant does not affect GALNT12 mRNA splicing . Based on the available information, we are unable to determine the clinical significance of this variant.

Ambry Genetics
Classification: Likely benign. Last evaluated: 2017-07-24. Review status: criteria provided, single submitter. Criteria: Ambry Variant Classification Scheme 2023. Collection method: clinical testing. Allele origin: germline.